The following is an entry in ClinVar:

NM_000548.5(TSC2):c.3543G>C (p.Thr1181=)

Gene: TSC2 (TSC complex subunit 2; plus strand). Cytogenetic location: 16p13.3.
Variant type: single nucleotide variant.
Coding change: c.3543G>C on transcript NM_000548.5 (MANE Select); coding-DNA position 3543, G replaced by C.
Protein change: p.Thr1181=; no amino-acid change (threonine 1181 retained).
Molecular consequence: synonymous variant.
Genome position (GRCh38, 1-based): chr16:2,080,310, G>C. VCF-style: chr16-2080310-G-C. GRCh37 (hg19) VCF-style: chr16-2130311-G-C.
Other names: c.3411G>C, p.Thr1137= (NM_001077183.3, NM_001370404.1); c.3543G>C (NM_000548.3); c.3543G>C, p.Thr1181= (NM_001114382.3); c.3303G>C, p.Thr1101= (NM_001318827.2); c.3267G>C, p.Thr1089= (NM_001318829.2); c.2811G>C, p.Thr937= (NM_001318831.2); c.3444G>C, p.Thr1148= (NM_001318832.2); c.3414G>C, p.Thr1138= (NM_001363528.2, NM_001370405.1, NM_021055.3).
Identifiers: ClinVar variation 1153004 (VCV001153004.47), dbSNP rs139313964, ClinGen allele CA493043048.
Genomic context (GRCh38, chr16:2,080,310, plus strand): 5'-ACCAGCCGCGAAACCTGAGAAGGCCTCAGCTGGCACCCGGGTTCCTGTGCAGGAGAAGAC[G>C]AACCTGGCGGCCTATGTGCCCCTGCTGACCCAGGGCTGGGCGGAGATCCTGGTCCGGAGG-3'
Protein context (NP_000539.2, residues 1171-1191): AGTRVPVQEK[Thr1181=]NLAAYVPLLT

ClinVar aggregate classification (germline): Benign/Likely benign. Review status: criteria provided, multiple submitters, no conflicts (2 of 4 stars). 5 submissions from 5 submitters: Benign (2); Likely benign (3). Last evaluated 2025-05-29.

Conditions:
Hereditary cancer-predisposing syndrome. Also called: Tumor predisposition; Hereditary neoplastic syndrome; Hereditary Cancer Syndrome; Neoplastic Syndromes, Hereditary. Identifiers: Orphanet 140162, MedGen C0027672, MeSH D009386, MONDO:0015356.
Tuberous sclerosis 2 (TSC2). Identifiers: Orphanet 805, MedGen C1860707, MONDO:0013199, OMIM 613254.

Submissions (5):

Myriad Genetics, Inc.
Classification: Benign for Tuberous sclerosis 2. Last evaluated: 2025-05-29. Review status: criteria provided, single submitter. Criteria: Myriad Autosomal Dominant, Autosomal Recessive and X-Linked Classification Criteria (2023). Collection method: clinical testing. Allele origin: unknown.
Comment: This variant is considered benign. This variant is a silent/synonymous amino acid change and it is not expected to impact splicing.

Ambry Genetics
Classification: Likely benign for Hereditary cancer-predisposing syndrome. Last evaluated: 2023-05-14. Review status: criteria provided, single submitter. Criteria: Ambry Variant Classification Scheme 2023. Collection method: clinical testing. Allele origin: germline.

Genome-Nilou Lab
Classification: Benign for Tuberous sclerosis 2. Last evaluated: 2021-11-07. Review status: criteria provided, single submitter. Criteria: ACMG Guidelines, 2015. Collection method: clinical testing. Allele origin: germline. Affected: no.

CeGaT Center for Human Genetics Tuebingen
Classification: Likely benign. Last evaluated: 2021-03-01. Review status: criteria provided, single submitter. Criteria: CeGaT Center For Human Genetics Tuebingen Variant Classification Criteria Version 2. Collection method: clinical testing. Allele origin: germline. Affected: yes. Observed: 1 variant allele.

Labcorp Genetics (formerly Invitae), Labcorp
Classification: Likely benign for Tuberous sclerosis 2. Last evaluated: 2019-09-07. Review status: criteria provided, single submitter. Criteria: Invitae Variant Classification Sherloc (09022015). Collection method: clinical testing. Allele origin: germline.